The following is an entry in ClinVar:

NM_015909.4(NBAS):c.959G>T (p.Gly320Val)

Gene: NBAS (NBAS subunit of NRZ tethering complex; minus strand). Cytogenetic location: 2p24.3.
Variant type: single nucleotide variant.
Coding change: c.959G>T on transcript NM_015909.4 (MANE Select); coding-DNA position 959, G replaced by T.
Protein change: p.Gly320Val; replaces glycine 320 with valine.
Molecular consequence: missense variant. On other transcripts: non-coding transcript variant (1).
Genome position (GRCh38, 1-based): chr2:15,489,018, C>A on the plus strand (G>T on the coding strand, the complement: NBAS is on the minus strand). VCF-style: chr2-15489018-C-A. GRCh37 (hg19) VCF-style: chr2-15629142-C-A.
Other names: short protein forms G320V.
Identifiers: ClinVar variation 1503792 (VCV001503792.6), dbSNP rs752451535, ClinGen allele CA345894987.

ClinVar aggregate classification (germline): Uncertain significance (1 of 4 stars; one submission).

gnomAD v4.1: 1 of 1,613,280 alleles (0.000062%); highest among the groups gnomAD compares: Non-Finnish European, 0.000085%; no homozygotes.

Submission:

Labcorp Genetics (formerly Invitae), Labcorp
Classification: Uncertain significance. Last evaluated: 2024-08-28. Review status: criteria provided, single submitter. Criteria: Invitae Variant Classification Sherloc (09022015). Collection method: clinical testing. Allele origin: germline.
Comment: This sequence change replaces glycine, which is neutral and non-polar, with valine, which is neutral and non-polar, at codon 320 of the NBAS protein (p.Gly320Val). This variant is not present in population databases (gnomAD no frequency). This variant has not been reported in the literature in individuals affected with NBAS-related conditions. ClinVar contains an entry for this variant (Variation ID: 1503792). Invitae Evidence Modeling of protein sequence and biophysical properties (such as structural, functional, and spatial information, amino acid conservation, physicochemical variation, residue mobility, and thermodynamic stability) indicates that this missense variant is expected to disrupt NBAS protein function with a positive predictive value of 80%. In summary, the available evidence is currently insufficient to determine the role of this variant in disease. Therefore, it has been classified as a Variant of Uncertain Significance.